The following is an entry in ClinVar:

NM_002226.5(JAG2):c.1587C>T (p.Ser529=)

Gene: JAG2 (jagged canonical Notch ligand 2; minus strand). Cytogenetic location: 14q32.33.
Variant type: single nucleotide variant.
Coding change: c.1587C>T on transcript NM_002226.5 (MANE Select); coding-DNA position 1587, C replaced by T.
Protein change: p.Ser529=; no amino-acid change (serine 529 retained).
Molecular consequence: synonymous variant.
Genome position (GRCh38, 1-based): chr14:105,150,619, G>A on the plus strand (C>T on the coding strand, the complement: JAG2 is on the minus strand). VCF-style: chr14-105150619-G-A. GRCh37 (hg19) VCF-style: chr14-105616956-G-A.
Other names: p.Ser529=; c.1473C>T, p.Ser491= (NM_145159.3); c.1587C>T (NM_002226.4).
Identifiers: ClinVar variation 4683951 (VCV004683951.2).
Genomic context (GRCh38, chr14:105,150,619, plus strand): 5'-GCTCCCAGAGCAGCAGGTGGGGCAGGGTGACCAGGCAGACCTCACCTCACAGAGAGGCCC[G>A]GAGAAGCCCTGGGGGCAGTGGCAGTGGAAGCCGTCGGCCAGGTCCTCGCAGAGGCCGCCG-3'
Protein context (NP_002217.3, residues 519-539): GFHCHCPQGF[Ser529=]GPLCEVDVDL

ClinVar aggregate classification (germline): Benign/Likely benign. Review status: criteria provided, multiple submitters, no conflicts (2 of 4 stars). 2 submissions from 2 submitters: Benign (1); Likely benign (1). Last evaluated 2025-09-16.

Conditions:
JAG2-related disorder. Also called: JAG2-related condition.

gnomAD v4.1: 572 of 1,548,902 alleles (0.037%); highest among the groups gnomAD compares: African/African-American, 0.52%; 1 homozygote.

Submissions (2):

Mayo Clinic Laboratories, Mayo Clinic
Classification: Benign. Last evaluated: 2025-09-16. Review status: criteria provided, single submitter. Criteria: ACMG Guidelines, 2015. Collection method: clinical testing. Allele origin: germline. Observed: 1 variant allele.
Comment: BA1, BP4, BP7

PreventionGenetics, part of Exact Sciences
Classification: Likely benign for JAG2-related condition. Last evaluated: 2025-02-11. Review status: criteria provided, single submitter. Criteria: ACMG Guidelines, 2015. Collection method: clinical testing. Allele origin: germline.
Comment: This variant is classified as likely benign based on ACMG/AMP sequence variant interpretation guidelines (Richards et al. 2015 PMID: 25741868, with internal and published modifications).